The following is an entry in ClinVar:

ClinVar aggregate classification (germline): Uncertain significance (1 of 4 stars; one submission).

Conditions:
Rhabdoid tumor predisposition syndrome 2 (RTPS2). Identifiers: Orphanet 231108, Orphanet 69077, MedGen C2750074, MONDO:0013224, OMIM 613325.

Submission:

Labcorp Genetics (formerly Invitae), Labcorp
Classification: Uncertain significance for Rhabdoid tumor predisposition syndrome 2. Last evaluated: 2026-01-10. Review status: criteria provided, single submitter. Criteria: Invitae Variant Classification Sherloc (09022015). Collection method: clinical testing. Allele origin: germline.
Comment: This sequence change replaces alanine, which is neutral and non-polar, with threonine, which is neutral and polar, at codon 1401 of the SMARCA4 protein (p.Ala1401Thr). This variant is not present in population databases (gnomAD no frequency). This variant has not been reported in the literature in individuals affected with SMARCA4-related conditions. ClinVar contains an entry for this variant (Variation ID: 2694865). An algorithm developed to predict the effect of missense changes on protein structure and function (PolyPhen-2) suggests that this variant is likely to be tolerated. In summary, the available evidence is currently insufficient to determine the role of this variant in disease. Therefore, it has been classified as a Variant of Uncertain Significance.

NM_001387283.1(SMARCA4):c.4201G>A (p.Ala1401Thr)

Gene: SMARCA4 (SWI/SNF related BAF chromatin remodeling complex subunit ATPase 4; plus strand). Cytogenetic location: 19p13.2.
Variant type: single nucleotide variant.
Coding change: c.4201G>A on transcript NM_001387283.1 (MANE Plus Clinical); coding-DNA position 4201, G replaced by A.
Protein change: p.Ala1401Thr; replaces alanine 1401 with threonine.
Molecular consequence: missense variant. On other transcripts: intron variant (7).
Genome position (GRCh38, 1-based): chr19:11,039,488, G>A. VCF-style: chr19-11039488-G-A. GRCh37 (hg19) VCF-style: chr19-11150164-G-A.
Other names: c.4201G>A, p.Ala1401Thr (NM_001128849.3); c.4102G>A, p.Ala1368Thr (NM_001411150.1); c.4171-1819G>A (NM_001128844.3, NM_003072.5); c.4072-1819G>A (NM_001128847.4, NM_001374457.1, NM_001128848.2); c.4072-1810G>A (NM_001128845.2, NM_001128846.2); short protein forms A1368T, A1401T.
Identifiers: ClinVar variation 2694865 (VCV002694865.3), dbSNP rs2515442075, ClinGen allele CA404071295.